The following is an entry in ClinVar:

ClinVar aggregate classification (germline): Likely pathogenic (1 of 4 stars; one submission).

Conditions:
GDAP2-related disorder. Also called: GDAP2-related condition.

Allele frequency attached by ClinVar (database versions not stated): gnomAD exomes below 0.00001; ExAC 0.00001.
gnomAD v4.1: 4 of 1,578,846 alleles (0.00025%); highest among the groups gnomAD compares: African/African-American, 0.0013%; no homozygotes.

Submission:

PreventionGenetics, part of Exact Sciences
Classification: Likely pathogenic for GDAP2-related condition. Last evaluated: 2023-03-16. Review status: criteria provided, single submitter. Criteria: ACMG Guidelines, 2015. Collection method: clinical testing. Allele origin: germline.
Comment: The GDAP2 c.1048C>T variant is predicted to result in premature protein termination (p.Arg350*). To our knowledge, this variant has not been reported in the literature. This variant is reported in 0.0062% of alleles in individuals of African descent in gnomAD. Nonsense variants in GDAP2 are expected to be pathogenic. This variant is interpreted as likely pathogenic.

NM_017686.4(GDAP2):c.1048C>T (p.Arg350Ter)

Gene: GDAP2 (ganglioside induced differentiation associated protein 2; minus strand). Cytogenetic location: 1p12.
Variant type: single nucleotide variant.
Coding change: c.1048C>T on transcript NM_017686.4 (MANE Select); coding-DNA position 1048, C replaced by T.
Protein change: p.Arg350Ter; replaces arginine 350 with a stop codon.
Molecular consequence: nonsense.
Genome position (GRCh38, 1-based): chr1:117,886,636, G>A on the plus strand (C>T on the coding strand, the complement: GDAP2 is on the minus strand). VCF-style: chr1-117886636-G-A. GRCh37 (hg19) VCF-style: chr1-118429258-G-A.
Other names: c.1048C>T, p.Arg350Ter (NM_001135589.3); short protein forms R350*.
Identifiers: ClinVar variation 2636870 (VCV002636870.1), dbSNP rs747457022, ClinGen allele CA1031461.